The following is an entry in ClinVar:

NM_032119.4(ADGRV1):c.14128_14129del (p.Glu4709_Ser4710insTer)

Gene: ADGRV1 (adhesion G protein-coupled receptor V1; plus strand). Cytogenetic location: 5q14.3.
Variant type: Microsatellite.
Coding change: c.14128_14129del on transcript NM_032119.4 (MANE Select); coding-DNA positions 14128 to 14129, 2 bases deleted (AG; older notation c.14128_14129delAG).
Protein change: p.Glu4709_Ser4710insTer.
Molecular consequence: nonsense. On other transcripts: non-coding transcript variant (1).
Genome position (GRCh38, 1-based): chr5:90,790,957-90,790,958, AG deleted; deleting any 2 consecutive bases within chr5:90,790,952-90,790,958 gives the same sequence; the c. name uses the placement nearest the transcript's 3' end. VCF-style (leftmost placement, unchanged base first): chr5-90790951-GGA-G. GRCh37 (hg19) VCF-style: chr5-90086768-GGA-G.
Identifiers: ClinVar variation 1700981 (VCV001700981.5), dbSNP rs755839828, ClinGen allele CA3341673.

ClinVar aggregate classification (germline): Pathogenic. Review status: criteria provided, multiple submitters, no conflicts (2 of 4 stars). 2 submissions from 2 submitters: Pathogenic (2). Last evaluated 2023-09-10.

Submissions (2):

Labcorp Genetics (formerly Invitae), Labcorp
Classification: Pathogenic. Last evaluated: 2023-09-10. Review status: criteria provided, single submitter. Criteria: Invitae Variant Classification Sherloc (09022015). Collection method: clinical testing. Allele origin: germline.
Comment: This sequence change creates a premature translational stop signal (p.Ser4710*) in the ADGRV1 gene. It is expected to result in an absent or disrupted protein product. Loss-of-function variants in ADGRV1 are known to be pathogenic (PMID: 19357117, 22135276, 22147658, 26226137, 30718709, 31047384, 32467589). This variant is present in population databases (rs755839828, gnomAD 0.0009%). This variant has not been reported in the literature in individuals affected with ADGRV1-related conditions. ClinVar contains an entry for this variant (Variation ID: 1700981). For these reasons, this variant has been classified as Pathogenic.

GeneDx
Classification: Pathogenic. Last evaluated: 2022-03-02. Review status: criteria provided, single submitter. Criteria: GeneDx Variant Classification Process June 2021. Collection method: clinical testing. Allele origin: germline. Affected: yes.
Comment: Nonsense variant predicted to result in protein truncation or nonsense mediated decay in a gene for which loss-of-function is a known mechanism of disease; Not observed at significant frequency in large population cohorts (gnomAD); Has not been previously published as pathogenic or benign in association with a related disorder to our knowledge; This variant is associated with the following publications: (PMID: 31980526)

Literature cited by the submitters: PubMed 19357117 (cited by Labcorp Genetics (formerly Invitae), Labcorp); PubMed 22135276 (cited by Labcorp Genetics (formerly Invitae), Labcorp); PubMed 22147658 (cited by Labcorp Genetics (formerly Invitae), Labcorp); PubMed 26226137 (cited by Labcorp Genetics (formerly Invitae), Labcorp); PubMed 30718709 (cited by Labcorp Genetics (formerly Invitae), Labcorp); PubMed 31047384 (cited by Labcorp Genetics (formerly Invitae), Labcorp); PubMed 32467589 (cited by Labcorp Genetics (formerly Invitae), Labcorp).